The following is an entry in ClinVar:

NM_000277.3(PAH):c.169-2A>G

Gene: PAH (phenylalanine hydroxylase; minus strand). Cytogenetic location: 12q23.2.
Variant type: single nucleotide variant.
Coding change: c.169-2A>G on transcript NM_000277.3 (MANE Select); the canonical splice acceptor site of the intron before coding-DNA position 169, A replaced by G.
Molecular consequence: splice acceptor variant.
Genome position (GRCh38, 1-based): chr12:102,894,920, T>C on the plus strand (A>G on the coding strand, the complement: PAH is on the minus strand). VCF-style: chr12-102894920-T-C. GRCh37 (hg19) VCF-style: chr12-103288698-T-C.
Other names: c.169-2A>G (NM_001354304.2).
Identifiers: ClinVar variation 555212 (VCV000555212.14), dbSNP rs1226613045, ClinGen allele CA16020734.

ClinVar aggregate classification (germline): Pathogenic. Review status: reviewed by expert panel (3 of 4 stars). 7 submissions from 7 submitters: Pathogenic (1). 6 of the submissions do not count toward it. Last evaluated 2019-08-26.

Conditions:
Phenylketonuria (PKU). Also called: OLIGOPHRENIA PHENYLPYRUVICA; Phenylketonurias; FOLLING DISEASE; Phenylketonuria (PKU). Identifiers: Orphanet 716, MedGen C0031485, MONDO:0009861, OMIM 261600. Disease mechanism: loss of function.

Allele frequency attached by ClinVar (database versions not stated): gnomAD exomes 0.00001.
gnomAD v4.1: 2 of 1,608,568 alleles (0.00012%); highest among the groups gnomAD compares: South Asian, 0.0022%; no homozygotes.

Submissions (7):

ClinGen PAH Variant Curation Expert Panel
Classification: Pathogenic for Phenylketonuria. Last evaluated: 2019-08-26. Review status: reviewed by expert panel. Criteria: ClinGen PAH ACMG Specifications v1. Collection method: curation. Allele origin: germline. Inheritance: Autosomal recessive inheritance.
Comment: The c.169-2A>G variant has been identified in at least 1 proband with classic PKU (PMID: 24368688). It has been detected in the homozygous form (PMID: 20188615) as well as in trans with the pathogenic variant Gly272Ter (PMID: 24368688). This variant is present at very low allele frequencies; 0.000007993 overall in gnomAD with a MAF of 0.00003267 (1/30612) in the South Asian population. Computational analysis predicts an alteration of the WT acceptor site, most probably affecting splicing, generating a frameshift, and leading to nonsense mediated decay. In summary, this variant meets criteria to be classified as pathogenic for PAH. PAH-specific ACMG/AMP criteria applied: PVS1, PM3, PM2, PP1_Moderate, PP4.

Labcorp Genetics (formerly Invitae), Labcorp
Classification: Pathogenic for Phenylketonuria. Last evaluated: 2025-07-13. Review status: criteria provided, single submitter. Criteria: Invitae Variant Classification Sherloc (09022015). Collection method: clinical testing. Allele origin: germline. Not counted in ClinVar's aggregate classification.
Comment: This sequence change affects an acceptor splice site in intron 2 of the PAH gene. RNA analysis indicates that disruption of this splice site induces altered splicing and may result in an absent or altered protein product. This variant is present in population databases (no rsID available, gnomAD 0.006%). Disruption of this splice site has been observed in individual(s) with hyperphenylalaninemia (PMID: 20188615, 29499199, 32668217). It has also been observed to segregate with disease in related individuals. This variant is also known as c.168-2A>G. ClinVar contains an entry for this variant (Variation ID: 555212). Studies have shown that disruption of this splice site alters PAH gene expression (PMID: 20188615). Studies have shown that disruption of this splice site results in activation of a cryptic splice site, and produces a non-functional protein and/or introduces a premature termination codon (PMID: 20188615). For these reasons, this variant has been classified as Pathogenic.

Revvity Omics, Revvity
Classification: Pathogenic for Phenylketonuria. Last evaluated: 2020-12-04. Review status: criteria provided, single submitter. Criteria: ACMG Guidelines, 2015. Collection method: clinical testing. Allele origin: germline. Not counted in ClinVar's aggregate classification.

Victorian Clinical Genetics Services, Murdoch Childrens Research Institute
Classification: Pathogenic for Phenylketonuria. Last evaluated: 2020-10-19. Review status: criteria provided, single submitter. Criteria: ACMG Guidelines, 2015. Collection method: clinical testing. Allele origin: germline. Inheritance: Autosomal recessive inheritance. Affected: no. Not counted in ClinVar's aggregate classification.
Comment: Based on the classification scheme VCGS_Germline_v1.3.3, this variant is classified as Pathogenic. Following criteria are met: 0102 - Loss of function is a known mechanism of disease in this gene and is associated with phenylketonuria (PKU) (MIM#261600). (I) 0106 - This gene is associated with autosomal recessive disease. (I) 0201 - Variant is predicted to cause nonsense-mediated decay (NMD) and loss of protein (premature termination codon is located at least 54 nucleotides upstream of the final exon-exon junction). (SP) 0210 - Splice site variant proven to affect splicing of the transcript with a known effect on protein sequence (p.(Glu57Valfs*13)). Analysis of patient cells concludes this variant introduces the use of an upstream cryptic acceptor splice site in intron two, resulting in retention of intronic sequence, a frameshift and a premature termination codon (PMID: 20188615). (SP) 0251 - This variant is heterozygous. (I) 0304 - Variant is present in gnomAD v2 <0.01 for a recessive condition (2 heterozygotes,0 homozygotes). (SP) 0703 - Another splice variant comparable to the one identified in this case has moderate previous evidence for pathogenicity. A splice variant at the same intron junction (c.169-13T>G) has been reported several times as pathogenic in patients with PKU (ClinVar). (SP) 0801 - This variant has strong previous evidence of pathogenicity in unrelated individuals. This variant has been reported multiple times as pathogenic (ClinVar), and has been observed in a homozygous family, and a compound heterozygous patient with PKU (ClinVar, PMID: 20188615, PMID: 24368688). (SP) 1208 - Inheritance information for this variant is not currently available in this individual. (I) Legend: (SP) - Supporting pathogenic, (I) - Information, (SB) - Supporting benign

Fulgent Genetics
Classification: Pathogenic for Phenylketonuria. Last evaluated: 2018-10-31. Review status: criteria provided, single submitter. Criteria: ACMG Guidelines, 2015. Collection method: clinical testing. Allele origin: unknown. Not counted in ClinVar's aggregate classification.

Neuberg Centre For Genomic Medicine, NCGM
Classification: Pathogenic for Phenylketonuria. Review status: criteria provided, single submitter. Criteria: ACMG Guidelines, 2015. Collection method: clinical testing. Allele origin: germline. Inheritance: Autosomal recessive inheritance. Affected: yes. Not counted in ClinVar's aggregate classification.
Comment: This invariant splice site c.169-2A>G has been detected in the homozygous form in proband with classic Phenylketonuria (PKU) (Ho G et al). This variant has allele frequency of 0.00080% in the gnomAD Exomes and is novel (not in any individuals) in 1000 Genomes. This variant has been reported to the ClinVar database as Pathogenic. Loss of function variants have been previously reported to be disease causing. For these reasons, this variant has been classified as Pathogenic.

Counsyl
Classification: Pathogenic for Phenylketonuria. Last evaluated: 2017-11-29. Review status: no assertion criteria provided. Collection method: clinical testing. Allele origin: unknown. Not counted in ClinVar's aggregate classification.

Literature cited by the submitters: PubMed 20188615 (cited by 3 submitters); PubMed 29499199 (cited by Labcorp Genetics (formerly Invitae), Labcorp); PubMed 32668217 (cited by Labcorp Genetics (formerly Invitae), Labcorp); PubMed 24368688 (cited by Victorian Clinical Genetics Services, Murdoch Childrens Research Institute and Counsyl).